The following is an entry in ClinVar:

ClinVar aggregate classification (germline): Uncertain significance (1 of 4 stars; one submission).

Conditions:
Chédiak-Higashi syndrome (CHS). Also called: Chediak-Higashi Syndrome. Identifiers: Orphanet 167, MedGen C0007965, MONDO:0008963, OMIM 214500.

Submission:

Labcorp Genetics (formerly Invitae), Labcorp
Classification: Uncertain significance for Chédiak-Higashi syndrome. Last evaluated: 2024-04-01. Review status: criteria provided, single submitter. Criteria: Invitae Variant Classification Sherloc (09022015). Collection method: clinical testing. Allele origin: germline.
Comment: This sequence change replaces glutamine, which is neutral and polar, with lysine, which is basic and polar, at codon 655 of the LYST protein (p.Gln655Lys). This variant is not present in population databases (gnomAD no frequency). This variant has not been reported in the literature in individuals affected with LYST-related conditions. Advanced modeling of protein sequence and biophysical properties (such as structural, functional, and spatial information, amino acid conservation, physicochemical variation, residue mobility, and thermodynamic stability) performed at Invitae indicates that this missense variant is not expected to disrupt LYST protein function with a negative predictive value of 80%. In summary, the available evidence is currently insufficient to determine the role of this variant in disease. Therefore, it has been classified as a Variant of Uncertain Significance.

NM_000081.4(LYST):c.1963C>A (p.Gln655Lys)

Gene: LYST (lysosomal trafficking regulator; minus strand). Cytogenetic location: 1q42.3.
Variant type: single nucleotide variant.
Coding change: c.1963C>A on transcript NM_000081.4 (MANE Select); coding-DNA position 1963, C replaced by A.
Protein change: p.Gln655Lys; replaces glutamine 655 with lysine.
Molecular consequence: missense variant.
Genome position (GRCh38, 1-based): chr1:235,808,855, G>T on the plus strand (C>A on the coding strand, the complement: LYST is on the minus strand). VCF-style: chr1-235808855-G-T. GRCh37 (hg19) VCF-style: chr1-235972155-G-T.
Other names: c.1963C>A, p.Gln655Lys (NM_001301365.1); short protein forms Q655K.
Identifiers: ClinVar variation 3648366 (VCV003648366.2).